The following is an entry in ClinVar:

ClinVar aggregate classification (germline): Uncertain significance. Review status: criteria provided, multiple submitters, no conflicts (2 of 4 stars). 2 submissions from 2 submitters: Uncertain significance (2). Last evaluated 2023-12-12.

Conditions:
Malignant hyperthermia, susceptibility to, 5 (MHS5). Also called: CACNA1S-Related Malignant Hyperthermia Susceptibility. Identifiers: Orphanet 423, MedGen C1866077, MONDO:0011163, OMIM 601887.
Hypokalemic periodic paralysis, type 1. Also called: Hypokalemic Periodic Paralysis Type 1 (AD); HypoPP. Identifiers: Orphanet 681, MedGen C3714580, MONDO:0042979, OMIM 170400.

gnomAD v4.1: 2 of 1,614,236 alleles (0.00012%); highest among the groups gnomAD compares: Non-Finnish European, 0.00017%; no homozygotes.

Submissions (2):

Labcorp Genetics (formerly Invitae), Labcorp
Classification: Uncertain significance for Hypokalemic periodic paralysis, type 1; Malignant hyperthermia, susceptibility to, 5. Last evaluated: 2023-12-12. Review status: criteria provided, single submitter. Criteria: Invitae Variant Classification Sherloc (09022015). Collection method: clinical testing. Allele origin: germline.
Comment: This sequence change replaces aspartic acid, which is acidic and polar, with glutamic acid, which is acidic and polar, at codon 1816 of the CACNA1S protein (p.Asp1816Glu). This variant is not present in population databases (gnomAD no frequency). This variant has not been reported in the literature in individuals affected with CACNA1S-related conditions. Advanced modeling of protein sequence and biophysical properties (such as structural, functional, and spatial information, amino acid conservation, physicochemical variation, residue mobility, and thermodynamic stability) performed at Invitae indicates that this missense variant is not expected to disrupt CACNA1S protein function with a negative predictive value of 95%. In summary, the available evidence is currently insufficient to determine the role of this variant in disease. Therefore, it has been classified as a Variant of Uncertain Significance.

All of Us Research Program, National Institutes of Health
Classification: Uncertain significance for Malignant hyperthermia, susceptibility to, 5. Last evaluated: 2023-03-28. Review status: criteria provided, single submitter. Criteria: ACMG Guidelines, 2015. Collection method: clinical testing. Allele origin: germline. Inheritance: Autosomal dominant inheritance. Observed: 2 variant alleles, 2 heterozygotes.
Comment: This study involves interpretation of variants in research participants for the purpose of population health screening. Participant phenotype was not available at the time of variant classification. Additional details can be found in publication PMID: 35346344, PMCID: PMC8962531

NM_000069.3(CACNA1S):c.5448T>A (p.Asp1816Glu)

Gene: CACNA1S (calcium voltage-gated channel subunit alpha1 S; minus strand). Cytogenetic location: 1q32.1.
Variant type: single nucleotide variant.
Coding change: c.5448T>A on transcript NM_000069.3 (MANE Select); coding-DNA position 5448, T replaced by A.
Protein change: p.Asp1816Glu; replaces aspartic acid 1816 with glutamic acid.
Molecular consequence: missense variant.
Genome position (GRCh38, 1-based): chr1:201,040,005, A>T on the plus strand (T>A on the coding strand, the complement: CACNA1S is on the minus strand). VCF-style: chr1-201040005-A-T. GRCh37 (hg19) VCF-style: chr1-201009133-A-T.
Other names: short protein forms D1816E.
Identifiers: ClinVar variation 2929111 (VCV002929111.4), dbSNP rs2464387145, ClinGen allele CA344129324.